The following is an entry in ClinVar:

ClinVar aggregate classification (germline): Uncertain significance (1 of 4 stars; one submission).

Conditions:
RASopathy. Also called: Noonan spectrum disorder; rasopathies. Identifiers: Orphanet 536391, MedGen C5555857, MONDO:0021060.

Submission:

Labcorp Genetics (formerly Invitae), Labcorp
Classification: Uncertain significance for RASopathy. Last evaluated: 2025-04-29. Review status: criteria provided, single submitter. Criteria: Invitae Variant Classification Sherloc (09022015). Collection method: clinical testing. Allele origin: germline.
Comment: This sequence change replaces isoleucine, which is neutral and non-polar, with methionine, which is neutral and non-polar, at codon 130 of the MAP2K2 protein (p.Ile130Met). This variant is not present in population databases (gnomAD no frequency). This variant has not been reported in the literature in individuals affected with MAP2K2-related conditions. ClinVar contains an entry for this variant (Variation ID: 3636803). Invitae Evidence Modeling of protein sequence and biophysical properties (such as structural, functional, and spatial information, amino acid conservation, physicochemical variation, residue mobility, and thermodynamic stability) has been performed for this missense variant. However, the output from this modeling did not meet the statistical confidence thresholds required to predict the impact of this variant on MAP2K2 protein function. In summary, the available evidence is currently insufficient to determine the role of this variant in disease. Therefore, it has been classified as a Variant of Uncertain Significance.

NM_030662.4(MAP2K2):c.390C>G (p.Ile130Met)

Gene: MAP2K2 (mitogen-activated protein kinase kinase 2; minus strand). Cytogenetic location: 19p13.3.
Variant type: single nucleotide variant.
Coding change: c.390C>G on transcript NM_030662.4 (MANE Select); coding-DNA position 390, C replaced by G.
Protein change: p.Ile130Met; replaces isoleucine 130 with methionine.
Molecular consequence: missense variant.
Genome position (GRCh38, 1-based): chr19:4,110,569, G>C on the plus strand (C>G on the coding strand, the complement: MAP2K2 is on the minus strand). VCF-style: chr19-4110569-G-C. GRCh37 (hg19) VCF-style: chr19-4110567-G-C.
Other names: short protein forms I130M.
Identifiers: ClinVar variation 3636803 (VCV003636803.2).